The following is an entry in ClinVar:

NM_000127.3(EXT1):c.1468dup (p.Leu490fs)

Gene: EXT1 (exostosin glycosyltransferase 1; minus strand). Cytogenetic location: 8q24.11.
Variant type: Duplication.
Coding change: c.1468dup on transcript NM_000127.3 (MANE Select); coding-DNA position 1468, one base duplicated (C; older notation c.1468dupC).
Protein change: p.Leu490fs; shifts the reading frame from leucine 490.
Molecular consequence: frameshift variant.
Genome position (GRCh38, 1-based): chr8:117,819,744, G duplicated on the plus strand (C on the coding strand, the reverse complement: EXT1 is on the minus strand); the first of 6 consecutive G bases (chr8:117,819,744-117,819,749); duplicating any one gives the same sequence. VCF-style (leftmost placement, unchanged base first): chr8-117819743-A-AG. GRCh37 (hg19) VCF-style: chr8-118831982-A-AG.
Other names: c.1468dupC (NM_000127.3, NM_000127.2); short protein forms L490fs.
Identifiers: ClinVar variation 279804 (VCV000279804.17), dbSNP rs886039355, ClinGen allele CA10603056.

ClinVar aggregate classification (germline): Pathogenic. Review status: criteria provided, multiple submitters, no conflicts (2 of 4 stars). 6 submissions from 5 submitters: Pathogenic (5). 1 of the submissions does not count toward it. Last evaluated 2026-01-25.

Conditions:
Chondrosarcoma. Also called: Chondrosarcoma, somatic. Identifiers: Orphanet 55880, MedGen C0008479, MONDO:0008977, OMIM 215300, HP:0006765.
Exostoses, multiple, type 1 (EXT1). Also called: Hereditary Multiple Osteochondromatosis, Type I; EXOSTOSES, MULTIPLE, TYPE I. Identifiers: MedGen CN263289, MONDO:0007585, OMIM 133700.
Multiple congenital exostosis (EXT). Also called: Multiple exostoses; Hereditary multiple osteochondromas; Multiple osteochondromas; Hereditary multiple exostoses; Hereditary multiple exostosis; MULTIPLE CARTILAGINOUS EXOSTOSES. Identifiers: Orphanet 321, MedGen C0015306, MONDO:0005508, HP:0002762.

Submissions (6):

Labcorp Genetics (formerly Invitae), Labcorp
Classification: Pathogenic for Multiple congenital exostosis. Last evaluated: 2026-01-25. Review status: criteria provided, single submitter. Criteria: Invitae Variant Classification Sherloc (09022015). Collection method: clinical testing. Allele origin: germline.
Comment: This sequence change creates a premature translational stop signal (p.Leu490Profs*31) in the EXT1 gene. It is expected to result in an absent or disrupted protein product. Loss-of-function variants in EXT1 are known to be pathogenic (PMID: 10679937, 11391482, 19810120). This variant is not present in population databases (gnomAD no frequency). This premature translational stop signal has been observed in individuals with multiple osteochondromas (PMID: 11170095, 15586175, 17301954, 18165274). Invitae Evidence Modeling of clinical and family history, age, sex, and reported ancestry of multiple individuals with this EXT1 variant has been performed. This variant is expected to be pathogenic with a positive predictive value of at least 99%. This is a validated machine learning model that incorporates the clinical features of 66,185 individuals referred to our laboratory for EXT1 testing. This variant is also known as c.1468insC, c.1469insC, and c.1468-1469insC. ClinVar contains an entry for this variant (Variation ID: 279804). For these reasons, this variant has been classified as Pathogenic.

GeneDx
Classification: Pathogenic. Last evaluated: 2025-07-08. Review status: criteria provided, single submitter. Criteria: GeneDx Variant Classification Process June 2021. Collection method: clinical testing. Allele origin: germline. Affected: yes.
Comment: Frameshift variant predicted to result in protein truncation or nonsense mediated decay in a gene for which loss of function is a known mechanism of disease; Not observed at significant frequency in large population cohorts (gnomAD); This variant is associated with the following publications: (PMID: 15586175, 16283885, 19810120, 28922105, 18165274, 9150727, 11170095, 17301954, 23262345, 31096510, 32619249, 36703223, 30332465)

Dubai Health Genomic Medicine Center, Dubai Health
Classification: Pathogenic. Last evaluated: 2022-12-17. Review status: criteria provided, single submitter. Criteria: ACMG Guidelines, 2015. Collection method: clinical testing. Allele origin: germline. Affected: yes.

Fulgent Genetics
Classification: Pathogenic for Exostoses, multiple, type 1; Chondrosarcoma. Last evaluated: 2021-08-20. Review status: criteria provided, single submitter. Criteria: ACMG Guidelines, 2015. Collection method: clinical testing. Allele origin: unknown.

Neuberg Centre For Genomic Medicine, NCGM
Classification: Pathogenic for Exostoses, multiple, type 1. Review status: criteria provided, single submitter. Criteria: ACMG Guidelines, 2015. Collection method: clinical testing. Allele origin: germline. Inheritance: Autosomal dominant inheritance. Affected: yes.
Comment: The frameshift duplication p.L490Pfs*31 in EXT1 (NM_000127.3) has been reported previously in individuals affected with Hereditary multiple exostoses (Seki et al, 2001; Signori et al, 2007). This variant causes a frameshift starting with codon Leucine 490, changes this amino acid to Proline residue, and creates a premature Stop codon at position 31 of the new reading frame, denoted p.Leu490ProfsTer31. The p.L490Pfs*31 variant is novel (not in any individuals) in gnomAD Exomes and is novel (not in any individuals) in 1000 Genomes. This variant is predicted to cause loss of normal protein function through protein truncation caused a frameshift mutation. The frame shifted sequence continues 31 residues until a stop codon is reached. The p.L490Pfs*31 variant is a loss of function variant in the gene EXT1, which is intolerant of Loss of Function variants. For these reasons, this variant has been classified as Pathogenic.

Dubai Health Genomic Medicine Center, Dubai Health
Classification: Pathogenic for Exostoses, multiple, type 1. Last evaluated: 2021-03-22. Review status: flagged submission. Criteria: ACMG Guidelines, 2015. Collection method: clinical testing. Allele origin: germline. Affected: yes. Not counted in ClinVar's aggregate classification.
Comment: The p.Leu490Profs*31 variant in EXT1 has been previously reported in the heterozygous state in several individuals with Hereditary Multiple Exostoses (HME)(PMIDs: 11170095, 28922105, 31096510). It was absent from large population studies such as the Genome Aggregation Database (gnomAD) and the Greater Middle East (GME) variome database. This frameshift variant is predicted to alter the protein's amino acid sequence beginning at position 490 and lead to a premature termination codon 31 amino acids downstream. This alteration is then predicted to lead to a truncated or absent protein. Heterozygous loss of function of the EXT1 gene is an established disease mechanism in HME. This variant has been classified as pathogenic by two other clinical laboratories (ClinVar ID: 279804). In summary this variant meets our criteria for pathogenicity.
ClinVar note: Reason: This record appears to be redundant with a more recent record from the same submitter.
ClinVar note: Notes: SCV001984167 appears to be redundant with SCV002818213.

Literature cited by the submitters: PubMed 10679937 (cited by Labcorp Genetics (formerly Invitae), Labcorp); PubMed 11391482 (cited by Labcorp Genetics (formerly Invitae), Labcorp); PubMed 19810120 (cited by Labcorp Genetics (formerly Invitae), Labcorp); PubMed 11170095 (cited by Labcorp Genetics (formerly Invitae), Labcorp); PubMed 15586175 (cited by Labcorp Genetics (formerly Invitae), Labcorp); PubMed 17301954 (cited by Labcorp Genetics (formerly Invitae), Labcorp); PubMed 18165274 (cited by Labcorp Genetics (formerly Invitae), Labcorp).